The following is an entry in ClinVar:

ClinVar aggregate classification (germline): Pathogenic. Review status: reviewed by expert panel (3 of 4 stars). 7 submissions from 7 submitters: Pathogenic (1). 6 of the submissions do not count toward it. Last evaluated 2023-09-15.

Conditions:
Monogenic diabetes. Identifiers: Orphanet 183625, MedGen C3888631, MONDO:0015967.
Maturity-onset diabetes of the young (MODY). Also called: Maturity onset diabetes mellitus in young. Identifiers: Orphanet 552, MedGen C0342276, MONDO:0018911, HP:0004904.
Maturity-onset diabetes of the young type 1. Also called: MILD JUVENILE DIABETES MELLITUS; MODY type 1; Diabetes mellitus MODY type 1; MODY HNF4A related; HNF4A-Related Maturity-Onset Diabetes of the Young Type 1; MODY, type I. Identifiers: Orphanet 552, MedGen C1852093, MONDO:0007452, OMIM 125850. Disease mechanism: loss of function.

Allele frequency attached by ClinVar (database versions not stated): gnomAD exomes below 0.00001; gnomAD 0.00001.
gnomAD v4.1: 4 of 1,605,548 alleles (0.00025%); highest among the groups gnomAD compares: Non-Finnish European, 0.00026%; no homozygotes.

Submissions (7):

ClinGen Monogenic Diabetes Variant Curation Expert Panel
Classification: Pathogenic for Monogenic diabetes. Last evaluated: 2023-09-15. Review status: reviewed by expert panel. Criteria: ClinGen Monogenic Diabetes ACMG Specifications HNF4A V1.1.0. Collection method: curation. Allele origin: germline. Inheritance: Autosomal dominant inheritance.
Comment: The c.733C>T variant in the hepatocyte nuclear factor-4-alpha gene, HNF4A, causes an amino acid change of arginine to cysteine at codon 245 (p.(Arg245Cys)) of NM_175914.5. This variant was identified in at least 8 unrelated individuals with non-autoimmune and non-absolute/near-absolute insulin-deficient diabetes (PS4; internal lab collaborators; PMIDs: 23348805, 31957151, 30026763). This variant is found in only one individual in gnomAD (PM2_Supporting). This variant segregated with diabetes, with at least 4 informative meioses in 2 families with MODY (PP1_Strong; internal lab collaborators). This variant was identified as a de novo occurrence with unconfirmed parental relationships in an individual with a clinical picture consistent with HNF4A-MODY (MODY probability calculator result >50% and negative genetic testing for HNF1A) (PS2_Moderate; PMID: 31957151).This variant is predicted to be deleterious by computational evidence, with a REVEL score of 0.898, which is greater than the MDEP VCEP threshold of 0.70 (PP3). In summary, c.733C>T meets the criteria to be classified as pathogenic for monogenic diabetes. ACMG/AMP criteria applied, as specified by the ClinGen MDEP (specification version 1.1.0, approved 8/11/2023): PS4, PM2_Supporting, PP1_Strong, PS2_Moderate, PP3, PP4_Moderate.

Greenwood Genetic Center Diagnostic Laboratories, Greenwood Genetic Center
Classification: Pathogenic for Maturity-onset diabetes of the young type 1. Last evaluated: 2026-06-04. Review status: criteria provided, single submitter. Criteria: ACMG Guidelines, 2015. Collection method: clinical testing. Allele origin: germline. Affected: yes. Not counted in ClinVar's aggregate classification.
Comment: PS4, PM2_Supporting, PP1_Strong, PS2_Moderate, PP3, PP4_Moderate

Labcorp Genetics (formerly Invitae), Labcorp
Classification: Pathogenic. Last evaluated: 2025-09-22. Review status: criteria provided, single submitter. Criteria: Invitae Variant Classification Sherloc (09022015). Collection method: clinical testing. Allele origin: germline. Not counted in ClinVar's aggregate classification.
Comment: This sequence change replaces arginine, which is basic and polar, with cysteine, which is neutral and slightly polar, at codon 245 of the HNF4A protein (p.Arg245Cys). The frequency data for this variant in the population databases is considered unreliable, as metrics indicate poor data quality at this position in the gnomAD database. This missense change has been observed in individual(s) with familial hyperinsulinism and/or maturity onset diabetes of the young (PMID: 23348805, 30026763, 31957151; internal data). In at least one individual the variant was observed to be de novo. ClinVar contains an entry for this variant (Variation ID: 804917). Invitae Evidence Modeling of protein sequence and biophysical properties (such as structural, functional, and spatial information, amino acid conservation, physicochemical variation, residue mobility, and thermodynamic stability) has been performed for this missense variant. However, the output from this modeling did not meet the statistical confidence thresholds required to predict the impact of this variant on HNF4A protein function. For these reasons, this variant has been classified as Pathogenic.

GeneDx
Classification: Uncertain significance. Last evaluated: 2022-09-08. Review status: criteria provided, single submitter. Criteria: GeneDx Variant Classification Process June 2021. Collection method: clinical testing. Allele origin: germline. Affected: yes. Not counted in ClinVar's aggregate classification.
Comment: Reported in two other families with MODY and in an infant with persistent neonatal hypoglycemia, but detailed clinical and/or segregation information were not provided (Colclough et al., 2013; Huerta-Saenz et al., 2018); Not observed at significant frequency in large population cohorts (gnomAD); In silico analysis supports that this missense variant has a deleterious effect on protein structure/function; This variant is associated with the following publications: (PMID: 25340400, 30026763, 23348805, 31957151)

Women's Health and Genetics/Laboratory Corporation of America, LabCorp
Classification: Uncertain significance. Last evaluated: 2021-05-14. Review status: criteria provided, single submitter. Criteria: LabCorp Variant Classification Summary - May 2015. Collection method: clinical testing. Allele origin: germline. Not counted in ClinVar's aggregate classification.
Comment: Variant summary: HNF4A c.733C>T (p.Arg245Cys) results in a non-conservative amino acid change located in the ligand-binding domain (IPR000536) of the encoded protein sequence. Five of five in-silico tools predict a damaging effect of the variant on protein function. The variant allele was found at a frequency of 4e-06 in 251468 control chromosomes (gnomAD). The available data on variant occurrences in the general population are insufficient to allow any conclusion about variant significance. c.733C>T has been reported in the literature in individuals affected with Maturity Onset Diabetes of the Young (example: Xu_2020, Colclough_2013). To our knowledge, no experimental evidence demonstrating an impact on protein function has been reported. One ClinVar submitter (evaluation after 2014) cites the variant as uncertain significance. Based on the evidence outlined above, the variant was classified as VUS-possibly pathogenic.

Athena Diagnostics
Classification: Uncertain significance. Last evaluated: 2020-01-30. Review status: criteria provided, single submitter. Criteria: Athena Diagnostics Criteria. Collection method: clinical testing. Allele origin: unknown. Not counted in ClinVar's aggregate classification.

Ambry Genetics
Classification: Likely pathogenic for Maturity-onset diabetes of the young. Last evaluated: 2018-01-03. Review status: criteria provided, single submitter. Criteria: Ambry Variant Classification Scheme 2023. Collection method: clinical testing. Allele origin: germline. Not counted in ClinVar's aggregate classification.
Comment: The p.R245C variant (also known as c.733C>T), located in coding exon 7 of the HNF4A gene, results from a C to T substitution at nucleotide position 733. The arginine at codon 245 is replaced by cysteine, an amino acid with highly dissimilar properties. This variant was identified in two maturity-onset diabetes of the young families (Colclough K et al. Hum. Mutat., 2013 May;34:669-85). This amino acid position is highly conserved in available vertebrate species. In addition, this alteration is predicted to be deleterious by in silico analysis. Based on the majority of available evidence to date, this variant is likely to be pathogenic.

Literature cited by the submitters: PubMed 23348805 (cited by 4 submitters); PubMed 30026763 (cited by 3 submitters); PubMed 31957151 (cited by Labcorp Genetics (formerly Invitae), Labcorp and Women's Health and Genetics/Laboratory Corporation of America, LabCorp).

NM_175914.5(HNF4A):c.733C>T (p.Arg245Cys)

Gene: HNF4A (hepatocyte nuclear factor 4 alpha; plus strand). Cytogenetic location: 20q13.12.
Variant type: single nucleotide variant.
Coding change: c.733C>T on transcript NM_175914.5 (MANE Select); coding-DNA position 733, C replaced by T.
Protein change: p.Arg245Cys; replaces arginine 245 with cysteine.
Molecular consequence: missense variant.
Genome position (GRCh38, 1-based): chr20:44,419,783, C>T. VCF-style: chr20-44419783-C-T. GRCh37 (hg19) VCF-style: chr20-43048423-C-T.
Other names: NM_175914.5(HNF4A):c.733C>T; p.Arg245Cys; c.799C>T, p.Arg267Cys (NM_000457.6, NM_178849.3, NM_178850.3); c.733C>T, p.Arg245Cys (NM_001030003.3, NM_001030004.3); c.778C>T, p.Arg260Cys (NM_001258355.2); c.724C>T, p.Arg242Cys (NM_001287182.2, NM_001287183.2, NM_001287184.2); short protein forms R245C, R267C, R260C, R242C.
Identifiers: ClinVar variation 804917 (VCV000804917.12), dbSNP rs1290868034, ClinGen allele CA409107447.
Genomic context (GRCh38, chr20:44,419,783, plus strand): 5'-AATGACTACATTGTCCCTCGGCACTGCCCGGAGCTGGCGGAGATGAGCCGGGTGTCCATA[C>T]GCATCCTTGACGAGCTGGTGCTGCCCTTCCAGGAGCTGCAGATCGATGACAATGAGTATG-3'
Protein context (NP_787110.2, residues 235-255): ELAEMSRVSI[Arg245Cys]ILDELVLPFQ